The following is an entry in ClinVar:

NM_006254.4(PRKCD):c.1926_1927delinsAT (p.Arg643Cys)

Genes: PRKCD (protein kinase C delta; plus strand), LOC129936899 (ATAC-STARR-seq lymphoblastoid active region 19967; plus strand). Cytogenetic location: 3p21.1.
Variant type: Indel.
Coding change: c.1926_1927delinsAT on transcript NM_006254.4 (MANE Select); coding-DNA positions 1926 to 1927, GC replaced by AT.
Protein change: p.Arg643Cys; replaces arginine 643 with cysteine.
Molecular consequence: missense variant.
Genome position (GRCh38, 1-based): chr3:53,192,161-53,192,162, GC replaced by AT. VCF-style: chr3-53192161-GC-AT. GRCh37 (hg19) VCF-style: chr3-53226177-GC-AT.
Other names: c.1926_1927delinsAT, p.Arg643Cys (NM_001316327.2, NM_001354679.2, NM_001354680.2 and 1 more transcripts); c.1983_1984delinsAT, p.Arg662Cys (NM_001354676.2); c.1974_1975delinsAT, p.Arg659Cys (NM_001354678.2); short protein forms R643C, R659C, R662C.
Identifiers: ClinVar variation 2047928 (VCV002047928.4), dbSNP rs2471112413, ClinGen allele CA2580070258.

ClinVar aggregate classification (germline): Uncertain significance (1 of 4 stars; one submission).

Conditions:
Autoimmune lymphoproliferative syndrome, type III caused by mutation in PRKCD. Identifiers: Orphanet 3261, Orphanet 664711, MedGen C3809928, MONDO:8000024, OMIM 615559.

Submission:

Labcorp Genetics (formerly Invitae), Labcorp
Classification: Uncertain significance for Autoimmune lymphoproliferative syndrome, type III caused by mutation in PRKCD. Last evaluated: 2022-08-10. Review status: criteria provided, single submitter. Criteria: Invitae Variant Classification Sherloc (09022015). Collection method: clinical testing. Allele origin: germline.
Comment: This sequence change replaces arginine, which is basic and polar, with cysteine, which is neutral and slightly polar, at codon 643 of the PRKCD protein (p.Arg643Cys). In summary, the available evidence is currently insufficient to determine the role of this variant in disease. Therefore, it has been classified as a Variant of Uncertain Significance. Experimental studies and prediction algorithms are not available or were not evaluated, and the functional significance of this variant is currently unknown. This variant has not been reported in the literature in individuals affected with PRKCD-related conditions. Information on the frequency of this variant in the gnomAD database is not available, as this variant may be reported differently in the database.